The following is an entry in ClinVar:

ClinVar aggregate classification (germline): Conflicting classifications of pathogenicity. Review status: criteria provided, conflicting classifications (1 of 4 stars). 6 submissions from 6 submitters: Uncertain significance (2); Likely benign (3). 1 of the submissions does not count toward it. Last evaluated 2026-01-18.

Conditions:
Acyl-CoA dehydrogenase 9 deficiency. Also called: Acyl-CoA dehydrogenase family, member 9, deficiency of; MITOCHONDRIAL COMPLEX I DEFICIENCY, NUCLEAR TYPE 20. Identifiers: Orphanet 99901, MedGen C4747517, MONDO:0012624, OMIM 611126.

Allele frequency attached by ClinVar (database versions not stated): ESP Exome Variant Server 0.00023; 1000 Genomes Project 30x 0.00031; 1000 Genomes Project 0.00040; TOPMed 0.00044; gnomAD exomes 0.00045; gnomAD 0.00048; ExAC 0.00060.

Submissions (6):

Labcorp Genetics (formerly Invitae), Labcorp
Classification: Likely benign. Last evaluated: 2026-01-18. Review status: criteria provided, single submitter. Criteria: Invitae Variant Classification Sherloc (09022015). Collection method: clinical testing. Allele origin: germline.

GeneDx
Classification: Uncertain significance. Last evaluated: 2025-07-30. Review status: criteria provided, single submitter. Criteria: GeneDx Variant Classification Process June 2021. Collection method: clinical testing. Allele origin: germline.
Comment: In silico analysis suggests that this variant does not alter splicing; Has not been previously published as pathogenic or benign to our knowledge

Mayo Clinic Laboratories, Mayo Clinic
Classification: Likely benign. Last evaluated: 2025-04-15. Review status: criteria provided, single submitter. Criteria: ACMG Guidelines, 2015. Collection method: clinical testing. Allele origin: germline. Observed: 5 variant alleles.
Comment: BP4, BP7

Blueprint Genetics
Classification: Likely benign. Last evaluated: 2024-11-06. Review status: criteria provided, single submitter. Criteria: ACMG Guidelines, 2015. Collection method: clinical testing. Allele origin: germline.

Illumina Laboratory Services, Illumina
Classification: Uncertain significance for Acyl-CoA dehydrogenase 9 deficiency. Last evaluated: 2018-01-12. Review status: criteria provided, single submitter. Criteria: ICSL Variant Classification Criteria 13 December 2019. Collection method: clinical testing. Allele origin: germline.

Natera, Inc.
Classification: Likely benign for ACAD9 deficiency. Last evaluated: 2020-06-04. Review status: no assertion criteria provided. Collection method: clinical testing. Allele origin: germline. Not counted in ClinVar's aggregate classification.

NM_014049.5(ACAD9):c.195T>C (p.Asn65=)

Gene: ACAD9 (acyl-CoA dehydrogenase family member 9; plus strand). Cytogenetic location: 3q21.3.
Variant type: single nucleotide variant.
Coding change: c.195T>C on transcript NM_014049.5 (MANE Select); coding-DNA position 195, T replaced by C.
Protein change: p.Asn65=; no amino-acid change (asparagine 65 retained).
Molecular consequence: synonymous variant. On other transcripts: non-coding transcript variant (1).
Genome position (GRCh38, 1-based): chr3:128,884,697, T>C. VCF-style: chr3-128884697-T-C. GRCh37 (hg19) VCF-style: chr3-128603540-T-C.
Other names: p.Asn65=.
Identifiers: ClinVar variation 343192 (VCV000343192.20), dbSNP rs144978857, ClinGen allele CA2601068.